The following is an entry in ClinVar:

NM_194248.3(OTOF):c.5533+1G>A

Gene: OTOF (otoferlin; minus strand). Cytogenetic location: 2p23.3.
Variant type: single nucleotide variant.
Coding change: c.5533+1G>A on transcript NM_194248.3 (MANE Select); the canonical splice donor site of the intron after coding-DNA position 5533, G replaced by A.
Molecular consequence: splice donor variant.
Genome position (GRCh38, 1-based): chr2:26,461,695, C>T on the plus strand (G>A on the coding strand, the complement: OTOF is on the minus strand). VCF-style: chr2-26461695-C-T. GRCh37 (hg19) VCF-style: chr2-26684563-C-T.
Other names: c.5533+1G>A (NM_001287489.2, NM_194248.2); c.3232+1G>A (NM_194323.3, NM_004802.4); c.3463+1G>A (NM_194322.3).
Identifiers: ClinVar variation 2891890 (VCV002891890.4), dbSNP rs1171095987, ClinGen allele CA346131240.

ClinVar aggregate classification (germline): Likely pathogenic. Review status: criteria provided, multiple submitters, no conflicts (2 of 4 stars). 2 submissions from 2 submitters: Likely pathogenic (2). Last evaluated 2024-12-28.

Conditions:
OTOF-related disorder. Also called: OTOF-related condition.

Allele frequency attached by ClinVar (database versions not stated): gnomAD exomes 0.00001.
gnomAD v4.1: 17 of 1,613,892 alleles (0.0011%); highest among the groups gnomAD compares: East Asian, 0.0045%; no homozygotes.

Submissions (2):

PreventionGenetics, part of Exact Sciences
Classification: Likely pathogenic for OTOF-related condition. Last evaluated: 2024-12-28. Review status: criteria provided, single submitter. Criteria: ACMG Guidelines, 2015. Collection method: clinical testing. Allele origin: germline.
Comment: The OTOF c.5533+1G>A variant is predicted to disrupt the GT donor site and interfere with normal splicing. To our knowledge, this variant has not been reported in the literature or in gnomAD, indicating that this variant is rare. Variants that disrupt the consensus splice donor site in OTOF are expected to be pathogenic. This variant is interpreted as likely pathogenic.

Labcorp Genetics (formerly Invitae), Labcorp
Classification: Likely pathogenic. Last evaluated: 2023-11-21. Review status: criteria provided, single submitter. Criteria: Invitae Variant Classification Sherloc (09022015). Collection method: clinical testing. Allele origin: germline.
Comment: This sequence change affects a donor splice site in intron 43 of the OTOF gene. It is expected to disrupt RNA splicing. Variants that disrupt the donor or acceptor splice site typically lead to a loss of protein function (PMID: 16199547), and loss-of-function variants in OTOF are known to be pathogenic (PMID: 18381613, 19250381, 22575033). This variant is present in population databases (no rsID available, gnomAD no frequency). Disruption of this splice site has been observed in individual(s) with autosomal recessive auditory neuropathy (PMID: 16226319, 22906306). This variant is also known as IVS44+1G>A. Algorithms developed to predict the effect of sequence changes on RNA splicing suggest that this variant may disrupt the consensus splice site. In summary, the currently available evidence indicates that the variant is pathogenic, but additional data are needed to prove that conclusively. Therefore, this variant has been classified as Likely Pathogenic.

Literature cited by the submitters: PubMed 16199547 (cited by Labcorp Genetics (formerly Invitae), Labcorp); PubMed 18381613 (cited by Labcorp Genetics (formerly Invitae), Labcorp); PubMed 19250381 (cited by Labcorp Genetics (formerly Invitae), Labcorp); PubMed 22575033 (cited by Labcorp Genetics (formerly Invitae), Labcorp); PubMed 16226319 (cited by Labcorp Genetics (formerly Invitae), Labcorp); PubMed 22906306 (cited by Labcorp Genetics (formerly Invitae), Labcorp).